The following is an entry in ClinVar:

ClinVar aggregate classification (germline): Likely pathogenic (1 of 4 stars; one submission).

Submission:

Labcorp Genetics (formerly Invitae), Labcorp
Classification: Likely pathogenic. Last evaluated: 2021-05-02. Review status: criteria provided, single submitter. Criteria: Invitae Variant Classification Sherloc (09022015). Collection method: clinical testing. Allele origin: germline.
Comment: In summary, the currently available evidence indicates that the variant is pathogenic, but additional data are needed to prove that conclusively. Therefore, this variant has been classified as Likely Pathogenic. Algorithms developed to predict the effect of sequence changes on RNA splicing suggest that this variant may disrupt the consensus splice site, but this prediction has not been confirmed by published transcriptional studies. This variant has not been reported in the literature in individuals with MME-related conditions. This variant is not present in population databases (ExAC no frequency). This sequence change affects an acceptor splice site in intron 10 of the MME gene. It is expected to disrupt RNA splicing. Variants that disrupt the donor or acceptor splice site typically lead to a loss of protein function (PMID: 16199547), and loss-of-function variants in MME are known to be pathogenic (PMID: 26991897).

Literature cited by the submitters: PubMed 16199547; PubMed 26991897.

NM_007289.4(MME):c.958-2A>G

Gene: MME (membrane metalloendopeptidase; plus strand). Cytogenetic location: 3q25.2.
Variant type: single nucleotide variant.
Coding change: c.958-2A>G on transcript NM_007289.4 (MANE Select); the canonical splice acceptor site of the intron before coding-DNA position 958, A replaced by G.
Molecular consequence: splice acceptor variant.
Genome position (GRCh38, 1-based): chr3:155,141,989, A>G. VCF-style: chr3-155141989-A-G. GRCh37 (hg19) VCF-style: chr3-154859778-A-G.
Other names: c.958-2A>G (NM_001354642.2, NM_000902.5, NM_007287.4 and 2 more transcripts).
Identifiers: ClinVar variation 1484457 (VCV001484457.8), dbSNP rs2108311839, ClinGen allele CA355129706.